The following is an entry in ClinVar:

NM_002294.3(LAMP2):c.864+3_864+6del

Gene: LAMP2 (lysosome associated membrane protein 2; minus strand). Cytogenetic location: Xq24.
Variant type: Deletion.
Coding change: c.864+3_864+6del on transcript NM_002294.3 (MANE Select); bases 3 to 6 of the intron after coding-DNA position 864, 4 bases deleted (GAGT; older notation c.864+3_864+6delGAGT).
Molecular consequence: splice donor variant.
Genome position (GRCh38, 1-based): chrX:120,446,299-120,446,302, ACTC deleted on the plus strand (GAGT on the coding strand, the reverse complement: LAMP2 is on the minus strand); deleting any 4 consecutive bases within chrX:120,446,299-120,446,304 gives the same sequence; the c. name uses the placement nearest the transcript's 3' end. VCF-style (leftmost placement, unchanged base first): chrX-120446298-TACTC-T. GRCh37 (hg19) VCF-style: chrX-119580153-TACTC-T.
Other names: c.864+3_864+6delGAGT (NM_002294.2); c.864+3_864+6del (NM_001122606.1, NM_013995.2).
Identifiers: ClinVar variation 44442 (VCV000044442.19), dbSNP rs397516751, ClinGen allele CA134211.

ClinVar aggregate classification (germline): Pathogenic/Likely pathogenic. Review status: criteria provided, multiple submitters, no conflicts (2 of 4 stars). 6 submissions from 6 submitters: Pathogenic (3); Likely pathogenic (1). 2 of the submissions do not count toward it. Last evaluated 2025-05-08.

Conditions:
Cardiovascular phenotype. Identifiers: MedGen CN230736.
Danon disease. Also called: ANTOPOL DISEASE; PSEUDOGLYCOGENOSIS II; GSD IIb; LYSOSOMAL GLYCOGEN STORAGE DISEASE WITHOUT ACID MALTASE DEFICIENCY; Glycogen Storage Disease Type IIb. Identifiers: Orphanet 34587, MedGen C0878677, MONDO:0010281, OMIM 300257.
Hypertrophic cardiomyopathy. Also called: HYPERTROPHIC MYOCARDIOPATHY. Identifiers: Orphanet 217569, MedGen C0007194, MeSH D002312, MONDO:0005045, HP:0001639.

Submissions (6):

GeneDx
Classification: Likely pathogenic. Last evaluated: 2025-05-08. Review status: criteria provided, single submitter. Criteria: GeneDx Variant Classification Process June 2021. Collection method: clinical testing. Allele origin: germline. Affected: yes.
Comment: Intronic +5 splice site variant in a gene for which loss of function is a known mechanism of disease, and both splice predictors and evolutionary conservation support a deleterious effect, although in the absence of functional evidence the actual effect of this sequence change is unknown.; Not observed at significant frequency in large population cohorts (gnomAD); This variant is associated with the following publications: (PMID: 18282207, 15673802, 34714385, 25458169)

Labcorp Genetics (formerly Invitae), Labcorp
Classification: Pathogenic for Danon disease. Last evaluated: 2024-07-11. Review status: criteria provided, single submitter. Criteria: Invitae Variant Classification Sherloc (09022015). Collection method: clinical testing. Allele origin: germline.
Comment: This sequence change falls in intron 6 of the LAMP2 gene. It does not directly change the encoded amino acid sequence of the LAMP2 protein. It affects a nucleotide within the consensus splice site. This variant is not present in population databases (gnomAD no frequency). This variant has been observed in individuals with Danon's disease (PMID: 15673802, 18282207, 25458169; Invitae). This variant is also known as IVS6+1_4delGTGA. ClinVar contains an entry for this variant (Variation ID: 44442). Variants that disrupt the consensus splice site are a relatively common cause of aberrant splicing (PMID: 17576681, 9536098). Algorithms developed to predict the effect of sequence changes on RNA splicing suggest that this variant may disrupt the consensus splice site. For these reasons, this variant has been classified as Pathogenic.

Institute of Medical Genetics and Applied Genomics, University Hospital Tübingen
Classification: Pathogenic. Last evaluated: 2020-10-23. Review status: criteria provided, single submitter. Criteria: ACMG Guidelines, 2015. Collection method: clinical testing. Allele origin: germline. Inheritance: X-linked dominant inheritance. Affected: yes.

Ambry Genetics
Classification: Pathogenic for Cardiovascular phenotype. Last evaluated: 2018-08-14. Review status: criteria provided, single submitter. Criteria: Ambry Variant Classification Scheme 2023. Collection method: clinical testing. Allele origin: germline.
Comment: The c.864+3_864+6delGAGT intronic pathogenic mutation is located 3 nucleotides after coding exon 6 in the LAMP2 gene. This mutation results from a deletion of 4 nucleotides at positions c864+3 to c.864+66. This mutation, also reported as IVS6+1_4delGTGA, has been reported in multiple individuals with Danon disease (Arad M et al. N. Engl. J. Med., 2005 Jan;352:362-72; Bui YK et al. Pediatr Transplant, 2008 Mar;12:246-50; Hashida Y et al. J Cardiol, 2015 Aug;66:168-74). This mutation alters the splice donor site and is predicted to remove 41 amino acids from the protein (Arad M et al. N. Engl. J. Med., 2005 Jan;352:362-72). Based on the supporting evidence, this alteration is interpreted as a disease-causing mutation.

Clinical Genetics Laboratory, University Hospital Schleswig-Holstein
Classification: Pathogenic for Danon disease. Last evaluated: 2023-03-22. Review status: no assertion criteria provided. Collection method: clinical testing. Allele origin: germline. Affected: yes. Not counted in ClinVar's aggregate classification.

Laboratory for Molecular Medicine, Mass General Brigham Personalized Medicine
Classification: Likely pathogenic for Hypertrophic cardiomyopathy. Last evaluated: 2007-03-26. Review status: no assertion criteria provided. Collection method: clinical testing. Allele origin: germline. Observed: 3 variant alleles. Not counted in ClinVar's aggregate classification.

Literature cited by the submitters: PubMed 15673802 (cited by Labcorp Genetics (formerly Invitae), Labcorp and Ambry Genetics); PubMed 18282207 (cited by Labcorp Genetics (formerly Invitae), Labcorp and Ambry Genetics); PubMed 25458169 (cited by Labcorp Genetics (formerly Invitae), Labcorp and Ambry Genetics); PubMed 17576681 (cited by Labcorp Genetics (formerly Invitae), Labcorp); PubMed 9536098 (cited by Labcorp Genetics (formerly Invitae), Labcorp).